The following is an entry in ClinVar:

ClinVar aggregate classification (germline): Uncertain significance. Review status: criteria provided, multiple submitters, no conflicts (2 of 4 stars). 3 submissions from 3 submitters: Uncertain significance (2). 1 of the submissions does not count toward it. Last evaluated 2025-08-06.

Conditions:
Inborn genetic diseases. Identifiers: MedGen C0950123, MeSH D030342.
Methylmalonic aciduria, cblA type (MACA). Also called: Methylmalonic aciduria, vitamin b12-responsive, due to defect in synthesis of adenosylcobalamin, cbla complementation type; MMA cbl A type; Methylmalonic acidemia cblA type; Methylmalonic aciduria, vitamin B12-responsive; Vitamin B12-responsive methylmalonic acidemia type cblA. Identifiers: Orphanet 28, Orphanet 79310, MedGen C1855109, MONDO:0009613, OMIM 251100.

Allele frequency attached by ClinVar (database versions not stated): gnomAD exomes 0.00001; ExAC 0.00002; gnomAD 0.00005 and 0.00006; TOPMed 0.00006.
gnomAD v4.1: 13 of 1,614,074 alleles (0.00081%); highest among the groups gnomAD compares: African/African-American, 0.011%; no homozygotes.

Submissions (3):

Ambry Genetics
Classification: Uncertain significance for Inborn genetic diseases. Last evaluated: 2025-08-06. Review status: criteria provided, single submitter. Criteria: Ambry Variant Classification Scheme 2023. Collection method: clinical testing. Allele origin: germline.

Labcorp Genetics (formerly Invitae), Labcorp
Classification: Uncertain significance for Methylmalonic aciduria, cblA type. Last evaluated: 2021-10-08. Review status: criteria provided, single submitter. Criteria: Invitae Variant Classification Sherloc (09022015). Collection method: clinical testing. Allele origin: germline.
Comment: This sequence change replaces aspartic acid with histidine at codon 284 of the MMAA protein (p.Asp284His). The aspartic acid residue is highly conserved and there is a moderate physicochemical difference between aspartic acid and histidine. This variant is present in population databases (rs758654806, ExAC 0.01%). This variant has not been reported in the literature in individuals with MMAA-related disease. Algorithms developed to predict the effect of missense changes on protein structure and function (SIFT, PolyPhen-2, Align-GVGD) all suggest that this variant is likely to be disruptive, but these predictions have not been confirmed by published functional studies and their clinical significance is uncertain. In summary, the available evidence is currently insufficient to determine the role of this variant in disease. Therefore, it has been classified as a Variant of Uncertain Significance.

Natera, Inc.
Classification: Uncertain significance for Methylmalonic aciduria cblA type. Last evaluated: 2020-09-08. Review status: no assertion criteria provided. Collection method: clinical testing. Allele origin: germline. Not counted in ClinVar's aggregate classification.

NM_172250.3(MMAA):c.850G>C (p.Asp284His)

Gene: MMAA (metabolism of cobalamin associated A; plus strand). Cytogenetic location: 4q31.21.
Variant type: single nucleotide variant.
Coding change: c.850G>C on transcript NM_172250.3 (MANE Select); coding-DNA position 850, G replaced by C.
Protein change: p.Asp284His; replaces aspartic acid 284 with histidine.
Molecular consequence: missense variant.
Genome position (GRCh38, 1-based): chr4:145,654,024, G>C. VCF-style: chr4-145654024-G-C. GRCh37 (hg19) VCF-style: chr4-146575176-G-C.
Other names: c.850G>C (NM_172250.2); c.850G>C, p.Asp284His (NM_001375644.1); short protein forms D284H.
Identifiers: ClinVar variation 990275 (VCV000990275.4), dbSNP rs758654806, ClinGen allele CA3095297.